The following is an entry in ClinVar:

NM_022051.3(EGLN1):c.568_569delinsTT (p.Ala190Leu)

Gene: EGLN1 (egl-9 family hypoxia inducible factor 1; minus strand). Cytogenetic location: 1q42.2.
Variant type: Indel.
Coding change: c.568_569delinsTT on transcript NM_022051.3 (MANE Select); coding-DNA positions 568 to 569, GC replaced by TT.
Protein change: p.Ala190Leu; replaces alanine 190 with leucine.
Molecular consequence: missense variant.
Genome position (GRCh38, 1-based): chr1:231,421,320-231,421,321, GC replaced by AA on the plus strand (GC replaced by TT on the coding strand, the reverse complement: EGLN1 is on the minus strand). VCF-style: chr1-231421320-GC-AA. GRCh37 (hg19) VCF-style: chr1-231557066-GC-AA.
Other names: c.568_569delGCinsTT (NM_022051.2); c.568_569delinsTT, p.Ala190Leu (NM_001377260.1, NM_001377261.1); short protein forms A190L.
Identifiers: ClinVar variation 569465 (VCV000569465.16), dbSNP rs1558086261, ClinGen allele CA891842871.

ClinVar aggregate classification (germline): Uncertain significance. Review status: criteria provided, multiple submitters, no conflicts (2 of 4 stars). 3 submissions from 3 submitters: Uncertain significance (3). Last evaluated 2025-12-22.

Conditions:
Erythrocytosis, familial, 3 (ECYT3). Identifiers: Orphanet 247511, MedGen C1853286, MONDO:0012353, OMIM 609820.

Submissions (3):

Labcorp Genetics (formerly Invitae), Labcorp
Classification: Uncertain significance for Erythrocytosis, familial, 3. Last evaluated: 2025-12-22. Review status: criteria provided, single submitter. Criteria: Invitae Variant Classification Sherloc (09022015). Collection method: clinical testing. Allele origin: germline.
Comment: This sequence change replaces alanine, which is neutral and non-polar, with leucine, which is neutral and non-polar, at codon 190 of the EGLN1 protein (p.Ala190Leu). This variant is present in population databases (no rsID available, gnomAD 0.003%). This missense change has been observed in individual(s) with clinical features of EGLN1-related conditions (PMID: 37317877). ClinVar contains an entry for this variant (Variation ID: 569465). An algorithm developed to predict the effect of missense changes on protein structure and function (PolyPhen-2) suggests that this variant is likely to be tolerated. In summary, the available evidence is currently insufficient to determine the role of this variant in disease. Therefore, it has been classified as a Variant of Uncertain Significance.

CeGaT Center for Human Genetics Tuebingen
Classification: Uncertain significance. Last evaluated: 2025-07-01. Review status: criteria provided, single submitter. Criteria: CeGaT Center For Human Genetics Tuebingen Variant Classification Criteria Version 2. Collection method: clinical testing. Allele origin: germline. Affected: yes. Observed: 1 variant allele.
Comment: EGLN1: PM2:Supporting, PS4:Supporting

Ambry Genetics
Classification: Uncertain significance. Last evaluated: 2023-07-19. Review status: criteria provided, single submitter. Criteria: Ambry Variant Classification Scheme 2023. Collection method: clinical testing. Allele origin: germline.
Comment: The c.568_569delGCinsTT variant (also known as p.A190L), located in coding exon 1 of the EGLN1 gene, results from an in-frame deletion of GC and insertion of TT at nucleotide positions 568 to 569. This results in the substitution of the alanine residue for a leucine residue at codon 190, an amino acid with similar properties. This amino acid position is not well conserved in available vertebrate species. In addition, this alteration is predicted to be neutral by in silico analysis (Choi Y et al. PLoS ONE. 2012; 7(10):e46688). The evidence for this gene-disease relationship is limited; therefore, the clinical significance of this alteration is unclear.

Literature cited by the submitters: PubMed 37317877 (cited by Labcorp Genetics (formerly Invitae), Labcorp).